The following is an entry in ClinVar:

NM_024757.5(EHMT1):c.271A>T (p.Ile91Leu)

Gene: EHMT1 (euchromatic histone lysine methyltransferase 1; plus strand). Cytogenetic location: 9q34.3.
Variant type: single nucleotide variant.
Coding change: c.271A>T on transcript NM_024757.5 (MANE Select); coding-DNA position 271, A replaced by T.
Protein change: p.Ile91Leu; replaces isoleucine 91 with leucine.
Molecular consequence: missense variant.
Genome position (GRCh38, 1-based): chr9:137,716,811, A>T. VCF-style: chr9-137716811-A-T. GRCh37 (hg19) VCF-style: chr9-140611263-A-T.
Other names: c.271A>T, p.Ile91Leu (NM_001145527.2, NM_001354263.2, NM_001354611.2); c.178A>T, p.Ile60Leu (NM_001354259.2, NM_001354612.2); short protein forms I91L, I60L.
Identifiers: ClinVar variation 284403 (VCV000284403.51), dbSNP rs144949902, ClinGen allele CA5374255.

ClinVar aggregate classification (germline): Conflicting classifications of pathogenicity. Review status: criteria provided, conflicting classifications (1 of 4 stars). 9 submissions from 9 submitters: Uncertain significance (2); Benign (2); Likely benign (4). 1 of the submissions does not count toward it. Last evaluated 2026-06-01.

Conditions:
Inborn genetic diseases. Identifiers: MedGen C0950123, MeSH D030342.
EHMT1-related disorder. Also called: EHMT1-related condition.
Kleefstra syndrome 1 (KLEFS1). Identifiers: Orphanet 261494, MedGen C0795833, MONDO:0027407, OMIM 610253.

Allele frequency attached by ClinVar (database versions not stated): 1000 Genomes Project 30x 0.00062; ESP Exome Variant Server 0.00008; gnomAD 0.00034; 1000 Genomes Project 0.00040; gnomAD exomes 0.00041; TOPMed 0.00041; ExAC 0.00042.
gnomAD v4.1: 770 of 1,613,330 alleles (0.048%); highest among the groups gnomAD compares: Admixed American, 0.085%; 1 homozygote.

Submissions (9):

CeGaT Center for Human Genetics Tuebingen
Classification: Likely benign. Last evaluated: 2026-06-01. Review status: criteria provided, single submitter. Criteria: CeGaT Center For Human Genetics Tuebingen Variant Classification Criteria Version 2. Collection method: clinical testing. Allele origin: germline. Affected: yes. Observed: 2 variant alleles.
Comment: EHMT1: BP4

Labcorp Genetics (formerly Invitae), Labcorp
Classification: Likely benign for Kleefstra syndrome 1. Last evaluated: 2026-01-12. Review status: criteria provided, single submitter. Criteria: Invitae Variant Classification Sherloc (09022015). Collection method: clinical testing. Allele origin: germline.

Blueprint Genetics
Classification: Likely benign. Last evaluated: 2024-11-23. Review status: criteria provided, single submitter. Criteria: ACMG Guidelines, 2015. Collection method: clinical testing. Allele origin: germline.

ARUP Laboratories, Molecular Genetics and Genomics, ARUP Laboratories
Classification: Likely benign for Kleefstra syndrome 1. Last evaluated: 2024-07-15. Review status: criteria provided, single submitter. Criteria: ARUP Molecular Germline Variant Investigation Process 2024. Collection method: clinical testing. Allele origin: germline.

Ambry Genetics
Classification: Benign for Inborn genetic diseases. Last evaluated: 2019-05-12. Review status: criteria provided, single submitter. Criteria: Ambry Variant Classification Scheme 2023. Collection method: clinical testing. Allele origin: germline.

GeneDx
Classification: Benign. Last evaluated: 2019-03-13. Review status: criteria provided, single submitter. Criteria: GeneDx Variant Classification Process June 2021. Collection method: clinical testing. Allele origin: germline. Affected: yes.

Eurofins Ntd Llc (ga)
Classification: Uncertain significance. Last evaluated: 2015-11-06. Review status: criteria provided, single submitter. Criteria: EGL Classification Definitions 2015. Collection method: clinical testing. Allele origin: germline. Observed: 1 variant allele, 1 heterozygote.

Genetic Services Laboratory, University of Chicago
Classification: Uncertain significance. Last evaluated: 2015-09-17. Review status: criteria provided, single submitter. Criteria: ACMG Guidelines, 2015. Collection method: clinical testing. Allele origin: germline. Affected: no.

PreventionGenetics, part of Exact Sciences
Classification: Likely benign for EHMT1-related condition. Last evaluated: 2019-07-29. Review status: no assertion criteria provided. Collection method: clinical testing. Allele origin: germline. Not counted in ClinVar's aggregate classification.
Comment: This variant is classified as likely benign based on ACMG/AMP sequence variant interpretation guidelines (Richards et al. 2015 PMID: 25741868, with internal and published modifications).